The following is an entry in ClinVar:

ClinVar aggregate classification (germline): Uncertain significance (1 of 4 stars; one submission).

Submission:

Labcorp Genetics (formerly Invitae), Labcorp
Classification: Uncertain significance. Last evaluated: 2021-03-27. Review status: criteria provided, single submitter. Criteria: Invitae Variant Classification Sherloc (09022015). Collection method: clinical testing. Allele origin: germline.
Comment: This sequence change replaces leucine with proline at codon 179 of the C7 protein (p.Leu179Pro). The leucine residue is moderately conserved and there is a moderate physicochemical difference between leucine and proline. This variant is not present in population databases (ExAC no frequency). In summary, the available evidence is currently insufficient to determine the role of this variant in disease. Therefore, it has been classified as a Variant of Uncertain Significance. Algorithms developed to predict the effect of missense changes on protein structure and function are either unavailable or do not agree on the potential impact of this missense change (SIFT: "Deleterious"; PolyPhen-2: "Possibly Damaging"; Align-GVGD: "Class C0"). This variant has not been reported in the literature in individuals with C7-related conditions.

NM_000587.4(C7):c.536T>C (p.Leu179Pro)

Gene: C7 (complement C7; plus strand). Cytogenetic location: 5p13.1.
Variant type: single nucleotide variant.
Coding change: c.536T>C on transcript NM_000587.4 (MANE Select); coding-DNA position 536, T replaced by C.
Protein change: p.Leu179Pro; replaces leucine 179 with proline.
Molecular consequence: missense variant.
Genome position (GRCh38, 1-based): chr5:40,937,659, T>C. VCF-style: chr5-40937659-T-C. GRCh37 (hg19) VCF-style: chr5-40937761-T-C.
Other names: short protein forms L179P.
Identifiers: ClinVar variation 1354518 (VCV001354518.8), dbSNP rs2111600709, ClinGen allele CA359591338.